The following is an entry in ClinVar:

ClinVar aggregate classification (germline): Uncertain significance. Review status: criteria provided, multiple submitters, no conflicts (2 of 4 stars). 2 submissions from 2 submitters: Uncertain significance (2). Last evaluated 2021-10-15.

Conditions:
Propionic acidemia (PROP). Also called: GLYCINEMIA, KETOTIC; HYPERGLYCINEMIA WITH KETOACIDOSIS AND LEUKOPENIA; KETOTIC HYPERGLYCINEMIA. Identifiers: Orphanet 35, MedGen C0268579, MONDO:0011628, OMIM 606054, HP:0003571.

Allele frequency attached by ClinVar (database versions not stated): TOPMed below 0.00001; gnomAD 0.00001; gnomAD exomes 0.00001 and 0.00003; ExAC 0.00005; ESP Exome Variant Server 0.00008.
gnomAD v4.1: 24 of 1,614,028 alleles (0.0015%); highest among the groups gnomAD compares: Non-Finnish European, 0.0016%; no homozygotes.

Submissions (2):

Labcorp Genetics (formerly Invitae), Labcorp
Classification: Uncertain significance for Propionic acidemia. Last evaluated: 2021-10-15. Review status: criteria provided, single submitter. Criteria: Invitae Variant Classification Sherloc (09022015). Collection method: clinical testing. Allele origin: germline.
Comment: This sequence change replaces tyrosine with histidine at codon 486 of the PCCB protein (p.Tyr486His). The tyrosine residue is highly conserved and there is a moderate physicochemical difference between tyrosine and histidine. This variant is present in population databases (rs143190442, ExAC 0.009%). This variant has not been reported in the literature in individuals affected with PCCB-related conditions. ClinVar contains an entry for this variant (Variation ID: 1031610). Advanced modeling of protein sequence and biophysical properties (such as structural, functional, and spatial information, amino acid conservation, physicochemical variation, residue mobility, and thermodynamic stability) performed at Invitae indicates that this missense variant is expected to disrupt PCCB protein function. In summary, the available evidence is currently insufficient to determine the role of this variant in disease. Therefore, it has been classified as a Variant of Uncertain Significance.

Baylor Genetics
Classification: Uncertain significance for Propionic acidemia. Last evaluated: 2018-02-16. Review status: criteria provided, single submitter. Criteria: ACMG Guidelines, 2015. Collection method: clinical testing. Allele origin: paternal. Affected: yes.
Comment: This variant was determined to be of uncertain significance according to ACMG Guidelines, 2015 [PMID:25741868].

NM_000532.5(PCCB):c.1456T>C (p.Tyr486His)

Gene: PCCB (propionyl-CoA carboxylase subunit beta; plus strand). Cytogenetic location: 3q22.3.
Variant type: single nucleotide variant.
Coding change: c.1456T>C on transcript NM_000532.5 (MANE Select); coding-DNA position 1456, T replaced by C.
Protein change: p.Tyr486His; replaces tyrosine 486 with histidine.
Molecular consequence: missense variant.
Genome position (GRCh38, 1-based): chr3:136,328,815, T>C. VCF-style: chr3-136328815-T-C. GRCh37 (hg19) VCF-style: chr3-136047657-T-C.
Other names: c.1516T>C, p.Tyr506His (NM_001178014.2); short protein forms Y506H, Y486H.
Identifiers: ClinVar variation 1031610 (VCV001031610.4), dbSNP rs143190442, ClinGen allele CA2632196.